The following is an entry in ClinVar:

NM_000545.8(HNF1A):c.1720A>G (p.Ser574Gly)

Gene: HNF1A (HNF1 homeobox A; plus strand). Cytogenetic location: 12q24.31.
Variant type: single nucleotide variant.
Coding change: c.1720A>G on transcript NM_000545.8 (MANE Select); coding-DNA position 1720, A replaced by G.
Protein change: p.Ser574Gly; replaces serine 574 with glycine.
Molecular consequence: missense variant.
Genome position (GRCh38, 1-based): chr12:120,999,579, A>G. VCF-style: chr12-120999579-A-G. GRCh37 (hg19) VCF-style: chr12-121437382-A-G.
Other names: NM_000545.8(HNF1A):c.1720A>G; c.1741A>G, p.Ser581Gly (NM_001306179.2); short protein forms S581G, S574G.
Identifiers: ClinVar variation 36810 (VCV000036810.33), dbSNP rs1169305, ClinGen allele CA214285.

ClinVar aggregate classification (germline): Benign. Review status: reviewed by expert panel (3 of 4 stars). 11 submissions from 11 submitters: Benign (1). 10 of the submissions do not count toward it. Last evaluated 2022-04-18.

Conditions:
Monogenic diabetes. Identifiers: Orphanet 183625, MedGen C3888631, MONDO:0015967.
Type 2 diabetes mellitus. Also called: Type II diabetes mellitus. Identifiers: MedGen C0011860, MeSH D003924, MONDO:0005148, OMIM 125853, HP:0005978.
Maturity-onset diabetes of the young type 3. Also called: MODY type 3; MODY, type III. Identifiers: Orphanet 552, MedGen C1838100, MeSH C563933, MONDO:0010894, OMIM 600496. Disease mechanism: loss of function.
Diabetes mellitus type 1 (T1D). Also called: Diabetes Mellitus, Juvenile-Onset; Type I diabetes mellitus. Identifiers: MedGen C0011854, MONDO:0005147, OMIM 222100, HP:0100651.
Nonpapillary renal cell carcinoma. Identifiers: Orphanet 422526, MedGen CN074294, MONDO:0007763, OMIM 144700.
Hepatic adenomas, familial. Also called: HEPATIC ADENOMA, SOMATIC; LIVER CELL ADENOMAS, FAMILIAL. Identifiers: MedGen C1840646, MONDO:0007718, OMIM 142330.
Type 1 diabetes mellitus 20 (T1D20). Also called: Diabetes mellitus, insulin-dependent, 20. Identifiers: MedGen C2675866, MONDO:0012919, OMIM 612520.
Maturity-onset diabetes of the young (MODY). Also called: Maturity onset diabetes mellitus in young. Identifiers: Orphanet 552, MedGen C0342276, MONDO:0018911, HP:0004904.

Allele frequency attached by ClinVar (database versions not stated): 1000 Genomes Project 30x 0.98298; TOPMed 0.98454; 1000 Genomes Project 0.98522; gnomAD 0.98610 and 0.98700; ExAC 0.99585; gnomAD exomes 0.99646 and 0.99867.
gnomAD v4.1: 1,608,777 of 1,612,756 alleles (100%); highest among the groups gnomAD compares: South Asian, 100%; 802,494 homozygotes.

Submissions (11):

ClinGen Monogenic Diabetes Variant Curation Expert Panel
Classification: Benign for Monogenic diabetes. Last evaluated: 2022-04-18. Review status: reviewed by expert panel. Criteria: ClinGen Diabetes ACMG Specifications v1 1. Collection method: curation. Allele origin: germline. Inheritance: Autosomal dominant inheritance.
Comment: The c.1720A>G variant in the HNF1 homeobox A gene, HNF1A, causes an amino acid change of serine to glycine at codon 574 (p.(Ser574Gly)) of NM_000545.8. This variant has a Popmax Filtering allele frequency in gnomAD 2.1.1 of 0.996; however, given that the G (Gly) alternate allele has frequencies greater than or equal to95% in all subpopulations, we have recalculated the Popmax Filtering allele frequency based on the highest prevalence of the A (Ser) reference allele being found in the African/African-American subpopulation (1144/24164 = 0.0473). The newly calculated Popmax Filtering allele frequency is 0.0447, which is greater than the MDEP threshold for BA1 (greater than or equal to 0.0001) (BA1). Additionally, this variant was identified in a patient with an alternate molecular basis for disease (BP5; internal lab contributors). In summary, c.1720A>G meets the criteria to be classified as benign for monogenic diabetes. ACMG/AMP criteria applied, as specified by the ClinGen MDEP (specification version 1.1, approved 9/30/2021): BA1, BP5.

Labcorp Genetics (formerly Invitae), Labcorp
Classification: Benign. Last evaluated: 2026-02-04. Review status: criteria provided, single submitter. Criteria: Invitae Variant Classification Sherloc (09022015). Collection method: clinical testing. Allele origin: germline. Not counted in ClinVar's aggregate classification.

ARUP Laboratories, Molecular Genetics and Genomics, ARUP Laboratories
Classification: Benign. Last evaluated: 2025-07-30. Review status: criteria provided, single submitter. Criteria: ARUP Molecular Germline Variant Investigation Process 2024. Collection method: clinical testing. Allele origin: germline. Not counted in ClinVar's aggregate classification.

Blueprint Genetics
Classification: Benign. Last evaluated: 2024-11-27. Review status: criteria provided, single submitter. Criteria: ACMG Guidelines, 2015. Collection method: clinical testing. Allele origin: germline. Not counted in ClinVar's aggregate classification.

Fulgent Genetics
Classification: Benign for Type 2 diabetes mellitus; Hepatic adenomas, familial; Nonpapillary renal cell carcinoma; Diabetes mellitus type 1; Maturity-onset diabetes of the young type 3; Type 1 diabetes mellitus 20. Last evaluated: 2021-09-13. Review status: criteria provided, single submitter. Criteria: ACMG Guidelines, 2015. Collection method: clinical testing. Allele origin: unknown. Not counted in ClinVar's aggregate classification.

Genome-Nilou Lab
Classification: Benign for Maturity-onset diabetes of the young type 3. Last evaluated: 2021-08-10. Review status: criteria provided, single submitter. Criteria: ACMG Guidelines, 2015. Collection method: clinical testing. Allele origin: germline. Affected: no. Not counted in ClinVar's aggregate classification.

Laboratory for Molecular Medicine, Mass General Brigham Personalized Medicine
Classification: Benign. Last evaluated: 2018-09-10. Review status: criteria provided, single submitter. Criteria: LMM Criteria. Collection method: clinical testing. Allele origin: germline. Observed: 1 variant allele. Not counted in ClinVar's aggregate classification.
Comment: This variant represents a RefSeq error. The hg19 reference base (c.1720A) is the minor allele. This allele (A) has been identified in 4.71% (1098/23336) of Afri can chromosomes in gnomAD and thus meets crit eria to be classified as benign.

Breakthrough Genomics
Classification: Benign. Review status: criteria provided, single submitter. Criteria: ACMG Guidelines, 2015. Collection method: not provided. Allele origin: germline. Inheritance: Autosomal dominant inheritance. Affected: yes. Not counted in ClinVar's aggregate classification.

Clinical Genomics, Uppaluri K&H Personalized Medicine Clinic
Classification: Benign for Maturity-onset diabetes of the young. Review status: criteria provided, single submitter. Criteria: K & H Uppaluri Personalized Medicine Clinic Variant Classification & Assertion Criteria_Updated V.1. Collection method: research. Allele origin: unknown. Inheritance: Autosomal dominant inheritance. Not counted in ClinVar's aggregate classification.
Comment: Mutations in HNF1A gene can predispose to MODY3. It is associated with both micro and macrovascular complications of diabetes, especially cardiovascular complications. Associated with glucosuria. May respond well to sulfonylureas. Sufficient evidence is found to confer the association of this particular variant rs1169305 with MODY3.

ITMI
No classification provided. Condition: AllHighlyPenetrant. Last evaluated: 2013-09-19. Review status: no classification provided. Collection method: reference population. Allele origin: germline. Not counted in ClinVar's aggregate classification.
Comment: Please see associated publication for description of ethnicities

Women's Health and Genetics/Laboratory Corporation of America, LabCorp
No classification provided. Condition: Maturity-onset diabetes of the young, type 3. Last evaluated: 2011-08-18. Review status: no classification provided. Collection method: clinical testing. Allele origin: germline. Not counted in ClinVar's aggregate classification.

Literature cited by the submitters: PubMed 29334895 (cited by Clinical Genomics, Uppaluri K&H Personalized Medicine Clinic); PubMed 25887915 (cited by Clinical Genomics, Uppaluri K&H Personalized Medicine Clinic); PubMed 11938027 (cited by Clinical Genomics, Uppaluri K&H Personalized Medicine Clinic); PubMed 24728327 (cited by ITMI).